The following is an entry in ClinVar:

NM_144997.7(FLCN):c.430G>A (p.Gly144Arg)

Gene: FLCN (folliculin; minus strand). Cytogenetic location: 17p11.2.
Variant type: single nucleotide variant.
Coding change: c.430G>A on transcript NM_144997.7 (MANE Select); coding-DNA position 430, G replaced by A.
Protein change: p.Gly144Arg; replaces glycine 144 with arginine.
Molecular consequence: missense variant.
Genome position (GRCh38, 1-based): chr17:17,224,110, C>T on the plus strand (G>A on the coding strand, the complement: FLCN is on the minus strand). VCF-style: chr17-17224110-C-T. GRCh37 (hg19) VCF-style: chr17-17127424-C-T.
Other names: c.484G>A, p.Gly162Arg (NM_001353229.2); c.430G>A, p.Gly144Arg (NM_001353230.2, NM_001353231.2, NM_144606.7); c.430G>A (NM_144997.5); short protein forms G144R, G162R.
Identifiers: ClinVar variation 1370294 (VCV001370294.10), dbSNP rs372918705, ClinGen allele CA288317171.

ClinVar aggregate classification (germline): Uncertain significance. Review status: criteria provided, multiple submitters, no conflicts (2 of 4 stars). 3 submissions from 3 submitters: Uncertain significance (3). Last evaluated 2025-02-05.

Conditions:
Birt-Hogg-Dube syndrome. Also called: Birt Hogg Dubé syndrome. Identifiers: Orphanet 122, MedGen C0346010, MONDO:0800444.
Hereditary cancer-predisposing syndrome. Also called: Hereditary neoplastic syndrome; Hereditary Cancer Syndrome; Tumor predisposition; Neoplastic Syndromes, Hereditary. Identifiers: Orphanet 140162, MedGen C0027672, MeSH D009386, MONDO:0015356.

Allele frequency attached by ClinVar (database versions not stated): gnomAD exomes below 0.00001; gnomAD 0.00001; TOPMed 0.00001; ESP Exome Variant Server 0.00008.

Submissions (3):

Labcorp Genetics (formerly Invitae), Labcorp
Classification: Uncertain significance for Birt-Hogg-Dube syndrome. Last evaluated: 2025-02-05. Review status: criteria provided, single submitter. Criteria: Invitae Variant Classification Sherloc (09022015). Collection method: clinical testing. Allele origin: germline.
Comment: This sequence change replaces glycine, which is neutral and non-polar, with arginine, which is basic and polar, at codon 144 of the FLCN protein (p.Gly144Arg). This variant is present in population databases (rs372918705, gnomAD 0.003%). This variant has not been reported in the literature in individuals affected with FLCN-related conditions. ClinVar contains an entry for this variant (Variation ID: 1370294). Invitae Evidence Modeling of protein sequence and biophysical properties (such as structural, functional, and spatial information, amino acid conservation, physicochemical variation, residue mobility, and thermodynamic stability) indicates that this missense variant is expected to disrupt FLCN protein function with a positive predictive value of 80%. In summary, the available evidence is currently insufficient to determine the role of this variant in disease. Therefore, it has been classified as a Variant of Uncertain Significance.

Blueprint Genetics
Classification: Uncertain significance. Last evaluated: 2024-11-19. Review status: criteria provided, single submitter. Criteria: ACMG Guidelines, 2015. Collection method: clinical testing. Allele origin: germline.

Ambry Genetics
Classification: Uncertain significance for Hereditary cancer-predisposing syndrome. Last evaluated: 2024-01-11. Review status: criteria provided, single submitter. Criteria: Ambry Variant Classification Scheme 2023. Collection method: clinical testing. Allele origin: germline.
Comment: The p.G144R variant (also known as c.430G>A), located in coding exon 3 of the FLCN gene, results from a G to A substitution at nucleotide position 430. The glycine at codon 144 is replaced by arginine, an amino acid with dissimilar properties. This amino acid position is highly conserved in available vertebrate species. In addition, this alteration is predicted to be deleterious by in silico analysis. Since supporting evidence is limited at this time, the clinical significance of this alteration remains unclear.